The following is an entry in ClinVar:

NM_017780.4(CHD7):c.7165-4A>G

Gene: CHD7 (chromodomain helicase DNA binding protein 7; plus strand). Cytogenetic location: 8q12.2.
Variant type: single nucleotide variant.
Coding change: c.7165-4A>G on transcript NM_017780.4 (MANE Select); 4 bases into the intron before coding-DNA position 7165, A replaced by G.
Molecular consequence: intron variant.
Genome position (GRCh38, 1-based): chr8:60,856,441, A>G. VCF-style: chr8-60856441-A-G. GRCh37 (hg19) VCF-style: chr8-61769000-A-G.
Other names: c.1717-5788A>G (NM_001316690.1).
Identifiers: ClinVar variation 444870 (VCV000444870.2), dbSNP rs1554604915, ClinGen allele CA658821531.

ClinVar aggregate classification (germline): Pathogenic. Review status: criteria provided, single submitter (1 of 4 stars). 2 submissions from 2 submitters: Pathogenic (1). 1 of the submissions does not count toward it. Last evaluated 2025-12-08.

Conditions:
CHARGE syndrome (CHARGE). Also called: Hittner Hirsch Kreh syndrome; CHARGE ASSOCIATION--COLOBOMA, HEART ANOMALY, CHOANAL ATRESIA, RETARDATION, GENITAL AND EAR ANOMALIES; Coloboma, heart anomaly, choanal atresia, retardation, genital and ear anomalies; CHARGE association; Hall-Hittner syndrome. Identifiers: Orphanet 138, MedGen C0265354, MONDO:0008965.

Submissions (2):

Dasa
Classification: Pathogenic. Last evaluated: 2025-12-08. Review status: criteria provided, single submitter. Criteria: DASA Assertion Criteria. Collection method: clinical testing. Allele origin: germline.
Comment: NM_017780.4(CHD7):c.7165-4A>G introduces a premature termination codon predicted to result in loss of normal protein function. Loss-of-function is an established mechanism of disease for this gene. De novo occurrence has been reported in an individual with related phenotype. Functional evidence supports a deleterious effect on the gene or gene product (PMID: 29531775; PMID: 34202106; PMID: 31060112; PMID: 21158681; PMID: 32625235). This variant has been recurrently observed in individuals with related phenotype (PMID: 29531775; PMID: 34202106; PMID: 31060112; PMID: 21158681; PMID: 32625235). Multiple computational predictions support a deleterious effect on the gene or gene product. The variant is present at low frequency in population datasets. Based on the available data, this variant is classified as pathogenic.

Department of Molecular Endocrinology, National Research Institute for Child Health and Development
Classification: Pathogenic for CHD7-related CHARGE syndrome. Last evaluated: 2017-09-19. Review status: no assertion criteria provided. Collection method: research. Allele origin: de novo. Inheritance: Autosomal dominant inheritance. Observed: 1 variant allele, 1 heterozygote. Not counted in ClinVar's aggregate classification.

Literature cited by the submitters: PubMed 29531775 (cited by Dasa); PubMed 34202106 (cited by Dasa); PubMed 31060112 (cited by Dasa); PubMed 21158681 (cited by Dasa); PubMed 32625235 (cited by Dasa).